The following is an entry in ClinVar:

ClinVar aggregate classification (germline): Likely benign (1 of 4 stars; one submission).

Allele frequency attached by ClinVar (database versions not stated): gnomAD 0.00001; gnomAD exomes 0.00007; TOPMed 0.00001.
gnomAD v4.1: 3 of 142,249 alleles (0.0021%); highest among the groups gnomAD compares: Non-Finnish European, 0.0042%; no homozygotes.

Submission:

CeGaT Center for Human Genetics Tuebingen
Classification: Likely benign. Last evaluated: 2022-05-01. Review status: criteria provided, single submitter. Criteria: CeGaT Center For Human Genetics Tuebingen Variant Classification Criteria Version 2. Collection method: clinical testing. Allele origin: germline. Affected: yes. Observed: 1 variant allele.
Comment: AL353698.1: BP4, BP7

NM_001324104.1(KLF8):c.22+59679G>A

Gene: KLF8 (KLF transcription factor 8; plus strand). Cytogenetic location: Xp11.21.
Variant type: single nucleotide variant.
Coding change: c.22+59679G>A on transcript NM_001324104.1; 59679 bases into the intron after coding-DNA position 22, G replaced by A.
Molecular consequence: intron variant.
Genome position (GRCh38, 1-based): chrX:56,074,640, G>A. VCF-style: chrX-56074640-G-A. GRCh37 (hg19) VCF-style: chrX-56101073-G-A.
Other names: c.-3+165840G>A (NM_001324105.1).
Identifiers: ClinVar variation 2660702 (VCV002660702.21), dbSNP rs895116840, ClinGen allele CA329363193.